The following is an entry in ClinVar:

ClinVar aggregate classification (germline): Likely benign. Review status: criteria provided, multiple submitters, no conflicts (2 of 4 stars). 2 submissions from 2 submitters: Likely benign (2). Last evaluated 2026-02-01.

Conditions:
Very long chain acyl-CoA dehydrogenase deficiency (ACADVLD). Also called: Very Long-Chain Acyl-Coenzyme A Dehydrogenase Deficiency; VLCAD Deficiency. Identifiers: Orphanet 26793, MedGen C3887523, MONDO:0008723, OMIM 201475.

Allele frequency attached by ClinVar (database versions not stated): gnomAD 0.00001 and 0.00002; TOPMed 0.00002; ExAC 0.00003; gnomAD exomes 0.00003 and 0.00004; ESP Exome Variant Server 0.00008; 1000 Genomes Project 30x 0.00016; 1000 Genomes Project 0.00020.
gnomAD v4.1: 53 of 1,614,146 alleles (0.0033%); highest among the groups gnomAD compares: Middle Eastern, 0.033%; no homozygotes.

Submissions (2):

Labcorp Genetics (formerly Invitae), Labcorp
Classification: Likely benign for Very long chain acyl-CoA dehydrogenase deficiency. Last evaluated: 2026-02-01. Review status: criteria provided, single submitter. Criteria: Invitae Variant Classification Sherloc (09022015). Collection method: clinical testing. Allele origin: germline.

CeGaT Center for Human Genetics Tuebingen
Classification: Likely benign. Last evaluated: 2022-06-01. Review status: criteria provided, single submitter. Criteria: CeGaT Center For Human Genetics Tuebingen Variant Classification Criteria Version 2. Collection method: clinical testing. Allele origin: germline. Affected: yes. Observed: 2 variant alleles.
Comment: ACADVL: BP4, BP7

NM_000018.4(ACADVL):c.480C>T (p.Tyr160=)

Gene: ACADVL (acyl-CoA dehydrogenase very long chain; plus strand). Cytogenetic location: 17p13.1.
Variant type: single nucleotide variant.
Coding change: c.480C>T on transcript NM_000018.4 (MANE Select); coding-DNA position 480, C replaced by T.
Protein change: p.Tyr160=; no amino-acid change (tyrosine 160 retained).
Molecular consequence: synonymous variant.
Genome position (GRCh38, 1-based): chr17:7,221,540, C>T. VCF-style: chr17-7221540-C-T. GRCh37 (hg19) VCF-style: chr17-7124859-C-T.
Other names: c.414C>T, p.Tyr138= (NM_001033859.3); c.549C>T, p.Tyr183= (NM_001270447.2); c.252C>T, p.Tyr84= (NM_001270448.2).
Identifiers: ClinVar variation 808214 (VCV000808214.49), dbSNP rs371910495, ClinGen allele CA8337739.